The following is an entry in ClinVar:

NM_001723.7(DST):c.7932C>A (p.Ser2644Arg)

Gene: DST (dystonin; minus strand). Cytogenetic location: 6p12.1.
Variant type: single nucleotide variant.
Coding change: c.7932C>A on transcript NM_001723.7 (MANE Plus Clinical); coding-DNA position 7932, C replaced by A.
Protein change: p.Ser2644Arg; replaces serine 2644 with arginine.
Molecular consequence: missense variant. On other transcripts: intron variant (10).
Genome position (GRCh38, 1-based): chr6:56,615,535, G>T on the plus strand (C>A on the coding strand, the complement: DST is on the minus strand). VCF-style: chr6-56615535-G-T. GRCh37 (hg19) VCF-style: chr6-56480333-G-T.
Other names: c.4831-1051C>A (NM_001144769.5); c.4930-1051C>A (NM_001374722.1, NM_001374736.1); c.4957-1051C>A (NM_001374734.1); c.4417-1051C>A (NM_001144770.2); c.4297-1051C>A (NM_001374730.1, NM_001386100.1, NM_183380.4 and 1 more transcripts); c.3319-1051C>A (NM_015548.5); short protein forms S2644R.
Identifiers: ClinVar variation 960279 (VCV000960279.10), dbSNP rs1187500129, ClinGen allele CA364561927.
Genomic context (GRCh38, chr6:56,615,535, plus strand): 5'-CAGCCTGCATCACCCCTTGCACAGTTATTTAAACATGTCCCATTAGGAAGAATAGTAGAG[G>T]CTAGAAATTCCTGTCATCAGGGGCTCAGATACTTCTAACAGTTTAAGTCCTGTGTGGAAA-3'
Protein context (NP_001714.1, residues 2634-2649): VSEPLMTGIS[Ser2644Arg]LYYSS

ClinVar aggregate classification (germline): Uncertain significance (1 of 4 stars; one submission).

Conditions:
Epidermolysis bullosa simplex 3, localized or generalized intermediate, with BP230 deficiency (EBS3). Also called: Epidermolysis bullosa simplex due to BP230 deficiency; Epidermolysis bullosa simplex, autosomal recessive 2. Identifiers: Orphanet 412181, MedGen C3809470, MONDO:0014180, OMIM 615425.
Hereditary sensory and autonomic neuropathy type 6. Also called: Neuropathy, hereditary sensory and autonomic, type VI; HSAN VI. Identifiers: Orphanet 314381, MedGen C3539003, MONDO:0013839, OMIM 614653.

Allele frequency attached by ClinVar (database versions not stated): gnomAD exomes below 0.00001.
gnomAD v4.1: 1 of 1,614,014 alleles (0.000062%); no homozygotes.

Submission:

Labcorp Genetics (formerly Invitae), Labcorp
Classification: Uncertain significance for Epidermolysis bullosa simplex 3, localized or generalized intermediate, with BP230 deficiency; Hereditary sensory and autonomic neuropathy type 6. Last evaluated: 2019-10-31. Review status: criteria provided, single submitter. Criteria: Invitae Variant Classification Sherloc (09022015). Collection method: clinical testing. Allele origin: germline.
Comment: This sequence change replaces serine with arginine at codon 2644 of the DST protein (p.Ser2644Arg). The serine residue is highly conserved and there is a moderate physicochemical difference between serine and arginine. This variant is not present in population databases (ExAC no frequency). In summary, the available evidence is currently insufficient to determine the role of this variant in disease. Therefore, it has been classified as a Variant of Uncertain Significance. Algorithms developed to predict the effect of missense changes on protein structure and function are either unavailable or do not agree on the potential impact of this missense change (SIFT: "Deleterious"; PolyPhen-2: "Benign"; Align-GVGD: "Class C65"). This variant has not been reported in the literature in individuals with DST-related conditions.